The following is an entry in ClinVar:

ClinVar aggregate classification (germline): Conflicting classifications of pathogenicity. Review status: criteria provided, conflicting classifications (1 of 4 stars). 22 submissions from 21 submitters: Pathogenic (1); Uncertain significance (10); Likely benign (5). 6 of the submissions do not count toward it. Last evaluated 2026-06-01.

Conditions:
USH2A-related disorder. Also called: USH2A-related disorders; USH2A-related condition. Identifiers: MedGen CN239332.
Retinal dystrophy. Also called: Inherited retinal dystrophy. Identifiers: Orphanet 71862, MedGen C0854723, MeSH D058499, MONDO:0019118, HP:0000556.
Retinitis pigmentosa 39 (RP39). Identifiers: Orphanet 791, MedGen C3151138, MONDO:0013436, OMIM 613809.
Usher syndrome type 2A. Also called: USHER SYNDROME, TYPE IIA; RETINAL DISEASE IN USHER SYNDROME TYPE IIA, MODIFIER OF. Identifiers: Orphanet 231178, Orphanet 886, MedGen C1848634, MONDO:0010169, OMIM 276901.

Allele frequency attached by ClinVar (database versions not stated): ESP Exome Variant Server 0.00054; 1000 Genomes Project 0.00060; 1000 Genomes Project 30x 0.00062; gnomAD exomes 0.00073 and 0.00084; gnomAD 0.00078 and 0.00081; ExAC 0.00079; TOPMed 0.00094.
gnomAD v4.1: 1,231 of 1,613,850 alleles (0.076%); highest among the groups gnomAD compares: Middle Eastern, 0.79%; 4 homozygotes.

Submissions (22):

Women's Health and Genetics/Laboratory Corporation of America, LabCorp
Classification: Uncertain significance. Last evaluated: 2026-06-01. Review status: criteria provided, single submitter. Criteria: LabCorp Variant Classification Summary - May 2015. Collection method: clinical testing. Allele origin: germline.
Comment: Variant summary: USH2A c.5858C>G (p.Ala1953Gly) results in a non-conservative amino acid change in the encoded protein sequence. Algorithms developed to predict the effect of missense changes on protein structure and function are either unavailable or do not agree on the potential impact of this missense change. Consensus agreement among computational tools predicts no significant impact on normal splicing. However, these predictions have yet to be confirmed by functional studies. The variant allele was found at a frequency of 0.00076 across 1613850 control chromosomes, predominantly at 0.0015 in the Latino subpopulation in the gnomAD database, including 1 homozygote. This frequency is not significantly higher than the estimate for disease-causing variants in USH2A, so no conclusion can be drawn about variant significance. c.5858C>G has been observed in multiple individuals with a heterozygous genotype in combination with other heterozygous variants in the USH2A gene without a phase clearly specified in probands affected with USH2A-related conditions (e.g. Chebil_2016, Comander_2017, Carss_2017, Eandi_2017, Colombo_2021, Ganapathi_2022). These reports do not provide unequivocal conclusions about the association of the variant with disease. To our knowledge, no experimental evidence demonstrating an impact on protein function has been reported. The following publications have been ascertained in the context of this evaluation (PMID: 28041643, 26868535, 33576794, 28981474, 29142287, 35672425). ClinVar contains an entry for this variant (Variation ID: 48546). Based on the evidence outlined above, the variant was classified as uncertain significance.

CeGaT Center for Human Genetics Tuebingen
Classification: Likely benign. Last evaluated: 2026-02-01. Review status: criteria provided, single submitter. Criteria: CeGaT Center For Human Genetics Tuebingen Variant Classification Criteria Version 2. Collection method: clinical testing. Allele origin: germline. Affected: yes. Observed: 5 variant alleles.
Comment: USH2A: BP4

Laboratory of Prof. Karen Avraham, Tel Aviv University
Classification: Pathogenic for Usher syndrome type 2A. Last evaluated: 2025-12-30. Review status: criteria provided, single submitter. Criteria: ACMG Guidelines, 2015. Collection method: research. Allele origin: germline. Inheritance: Autosomal recessive inheritance. Affected: yes. Observed: 1 variant allele.
Comment: The p.(Ala1953Gly) is a known recessive mutation based on PMID: 29142287, 28981474, 27145477, 20507924, all reporting hearing impaired cases with this variant.

Blueprint Genetics
Classification: Likely benign. Last evaluated: 2024-11-25. Review status: criteria provided, single submitter. Criteria: ACMG Guidelines, 2015. Collection method: clinical testing. Allele origin: germline.

Dept Of Ophthalmology, Nagoya University
Classification: Uncertain significance for Retinal dystrophy. Last evaluated: 2023-10-01. Review status: criteria provided, single submitter. Criteria: Submitter's publication. Collection method: research. Allele origin: germline. Affected: yes.

ARUP Laboratories, Molecular Genetics and Genomics, ARUP Laboratories
Classification: Uncertain significance. Last evaluated: 2023-09-11. Review status: criteria provided, single submitter. Criteria: ARUP Molecular Germline Variant Investigation Process 2024. Collection method: clinical testing. Allele origin: germline.

Labcorp Genetics (formerly Invitae), Labcorp
Classification: Uncertain significance. Last evaluated: 2022-10-24. Review status: criteria provided, single submitter. Criteria: Invitae Variant Classification Sherloc (09022015). Collection method: clinical testing. Allele origin: germline.
Comment: This sequence change replaces alanine, which is neutral and non-polar, with glycine, which is neutral and non-polar, at codon 1953 of the USH2A protein (p.Ala1953Gly). This variant is present in population databases (rs41302239, gnomAD 0.1%), and has an allele count higher than expected for a pathogenic variant. This missense change has been observed in individual(s) with retinitis pigmentosa, retinal dystrophy, and Usher syndrome (PMID: 28041643, 28981474, 29142287). ClinVar contains an entry for this variant (Variation ID: 48546). Algorithms developed to predict the effect of missense changes on protein structure and function are either unavailable or do not agree on the potential impact of this missense change (SIFT: "Deleterious"; PolyPhen-2: "Possibly Damaging"; Align-GVGD: "Class C0"). In summary, the available evidence is currently insufficient to determine the role of this variant in disease. Therefore, it has been classified as a Variant of Uncertain Significance.

Genome-Nilou Lab
Classification: Uncertain significance for Retinitis pigmentosa 39. Last evaluated: 2021-07-22. Review status: criteria provided, single submitter. Criteria: ACMG Guidelines, 2015. Collection method: clinical testing. Allele origin: germline. Affected: no.

Genome-Nilou Lab
Classification: Uncertain significance for Usher syndrome type 2A. Last evaluated: 2021-06-10. Review status: criteria provided, single submitter. Criteria: ACMG Guidelines, 2015. Collection method: clinical testing. Allele origin: germline. Affected: no.

GeneDx
Classification: Likely benign. Last evaluated: 2020-12-03. Review status: criteria provided, single submitter. Criteria: GeneDx Variant Classification Process June 2021. Collection method: clinical testing. Allele origin: germline. Affected: yes.
Comment: This variant is associated with the following publications: (PMID: 24944099, 27145477, 26868535, 28981474, 28041643, 20507924, 33576794)

Dubai Health Genomic Medicine Center, Dubai Health
Classification: Likely benign for Usher syndrome type 2A. Last evaluated: 2020-02-11. Review status: criteria provided, single submitter. Criteria: ACMG Guidelines, 2015. Collection method: clinical testing. Allele origin: germline. Affected: yes.

Centre for Mendelian Genomics, University Medical Centre Ljubljana
Classification: Uncertain significance for Usher syndrome type 2A. Last evaluated: 2019-11-28. Review status: criteria provided, single submitter. Criteria: ACMG Guidelines, 2015. Collection method: clinical testing. Allele origin: unknown. Affected: yes.
Comment: This variant was classified as: Uncertain significance. The available evidence on this variant's pathogenicity is insufficient or conflicting. The following ACMG criteria were applied in classifying this variant: PM1,PP3.

Athena Diagnostics
Classification: Uncertain significance. Last evaluated: 2019-07-25. Review status: criteria provided, single submitter. Criteria: Athena Diagnostics Criteria. Collection method: clinical testing. Allele origin: germline.

Laboratory for Molecular Medicine, Mass General Brigham Personalized Medicine
Classification: Likely benign. Last evaluated: 2019-06-28. Review status: criteria provided, single submitter. Criteria: LMM Criteria. Collection method: clinical testing. Allele origin: germline. Observed: 8 variant alleles.
Comment: The p.Ala1953Gly variant in USH2A has been identified in several individuals with hearing loss, retinitis pigmentosa, and Usher syndrome but has been identified in 0.1% (144/128948) of European chromosomes. This frequency suggests that the variant may not be pathogenic. Ala1953Gly variant but harbored another homozygous pathogenic USH2A variant. ACMG/AMP criteria applied: BS1_Supporting, BP2, BP5.

Fulgent Genetics
Classification: Uncertain significance for Usher syndrome type 2A; Retinitis pigmentosa 39. Last evaluated: 2018-10-31. Review status: criteria provided, single submitter. Criteria: ACMG Guidelines, 2015. Collection method: clinical testing. Allele origin: unknown.

Eurofins Ntd Llc (ga)
Classification: Uncertain significance. Last evaluated: 2017-01-03. Review status: criteria provided, single submitter. Criteria: EGL Classification Definitions 2015. Collection method: clinical testing. Allele origin: germline. Observed: 1 variant allele, 1 heterozygote.

PreventionGenetics, part of Exact Sciences
Classification: Likely benign for USH2A-related condition. Last evaluated: 2024-09-03. Review status: no assertion criteria provided. Collection method: clinical testing. Allele origin: germline. Not counted in ClinVar's aggregate classification.
Comment: This variant is classified as likely benign based on ACMG/AMP sequence variant interpretation guidelines (Richards et al. 2015 PMID: 25741868, with internal and published modifications).

Natera, Inc.
Classification: Uncertain significance for Usher syndrome type 2A. Last evaluated: 2019-12-31. Review status: no assertion criteria provided. Collection method: clinical testing. Allele origin: germline. Not counted in ClinVar's aggregate classification.

NIHR Bioresource Rare Diseases, University of Cambridge
Classification: Uncertain significance for Retinal dystrophy. Last evaluated: 2015-01-01. Review status: no assertion criteria provided. Collection method: research. Allele origin: unknown. Affected: yes. Observed: 1 variant allele. Not counted in ClinVar's aggregate classification.

Clinical Genetics DNA and cytogenetics Diagnostics Lab, Erasmus MC, Erasmus Medical Center
Classification: Uncertain significance. Review status: no assertion criteria provided. Collection method: clinical testing. Allele origin: germline. Affected: yes. Study: VKGL Data-share Consensus. Not counted in ClinVar's aggregate classification.

Clinical Genetics, Academic Medical Center
Classification: Uncertain significance. Review status: no assertion criteria provided. Collection method: clinical testing. Allele origin: germline. Affected: yes. Study: VKGL Data-share Consensus. Not counted in ClinVar's aggregate classification.

Joint Genome Diagnostic Labs from Nijmegen and Maastricht, Radboudumc and MUMC+
Classification: Uncertain significance. Review status: no assertion criteria provided. Collection method: clinical testing. Allele origin: germline. Affected: yes. Study: VKGL Data-share Consensus. Not counted in ClinVar's aggregate classification.

Literature cited by the submitters: PubMed 28041643 (cited by 5 submitters); PubMed 28981474 (cited by 5 submitters); PubMed 33576794 (cited by Women's Health and Genetics/Laboratory Corporation of America, LabCorp); PubMed 26868535 (cited by Women's Health and Genetics/Laboratory Corporation of America, LabCorp); PubMed 29142287 (cited by 4 submitters); PubMed 35672425 (cited by Women's Health and Genetics/Laboratory Corporation of America, LabCorp); PubMed 27145477 (cited by Laboratory of Prof. Karen Avraham, Tel Aviv University and Athena Diagnostics); PubMed 20507924 (cited by 3 submitters); PubMed 20591486 (cited by Athena Diagnostics and Laboratory for Molecular Medicine, Mass General Brigham Personalized Medicine); PubMed 25097241 (cited by Laboratory for Molecular Medicine, Mass General Brigham Personalized Medicine).

NM_206933.4(USH2A):c.5858C>G (p.Ala1953Gly)

Gene: USH2A (usherin; minus strand). Cytogenetic location: 1q41.
Variant type: single nucleotide variant.
Coding change: c.5858C>G on transcript NM_206933.4 (MANE Select); coding-DNA position 5858, C replaced by G.
Protein change: p.Ala1953Gly; replaces alanine 1953 with glycine.
Molecular consequence: missense variant.
Genome position (GRCh38, 1-based): chr1:216,070,292, G>C on the plus strand (C>G on the coding strand, the complement: USH2A is on the minus strand). VCF-style: chr1-216070292-G-C. GRCh37 (hg19) VCF-style: chr1-216243634-G-C.
Other names: short protein forms A1953G.
Identifiers: ClinVar variation 48546 (VCV000048546.76), dbSNP rs41302239, ClinGen allele CA143534.